The following is an entry in ClinVar:

ClinVar aggregate classification (germline): Likely benign. Review status: criteria provided, multiple submitters, no conflicts (2 of 4 stars). 3 submissions from 3 submitters: Likely benign (3). Last evaluated 2024-05-02.

Conditions:
Pyridoxine-dependent epilepsy (EPEO4). Also called: Pyridoxine-Dependent Epilepsy - ALDH7A1; EPILEPSY, EARLY-ONSET, 4, VITAMIN B6-DEPENDENT; Pyridoxine-Dependent Seizures; PYRIDOXINE DEPENDENCY WITH SEIZURES. Identifiers: Orphanet 3006, MedGen C1849508, MONDO:0009945, OMIM 266100. Disease mechanism: loss of function.

Submissions (3):

Labcorp Genetics (formerly Invitae), Labcorp
Classification: Likely benign for Pyridoxine-dependent epilepsy. Last evaluated: 2024-05-02. Review status: criteria provided, single submitter. Criteria: Invitae Variant Classification Sherloc (09022015). Collection method: clinical testing. Allele origin: germline.

Genome-Nilou Lab
Classification: Likely benign for Pyridoxine-dependent epilepsy. Last evaluated: 2023-04-11. Review status: criteria provided, single submitter. Criteria: ACMG Guidelines, 2015. Collection method: clinical testing. Allele origin: germline. Affected: no.

GeneDx
Classification: Likely benign. Last evaluated: 2016-02-04. Review status: criteria provided, single submitter. Criteria: GeneDx Variant Classification (06012015). Collection method: clinical testing. Allele origin: germline. Affected: yes.
Comment: This variant is considered likely benign or benign based on one or more of the following criteria: it is a conservative change, it occurs at a poorly conserved position in the protein, it is predicted to be benign by multiple in silico algorithms, and/or has population frequency not consistent with disease.

NM_001182.5(ALDH7A1):c.1470T>C (p.Ala490=)

Gene: ALDH7A1 (aldehyde dehydrogenase 7 family member A1; minus strand). Cytogenetic location: 5q23.2.
Variant type: single nucleotide variant.
Coding change: c.1470T>C on transcript NM_001182.5 (MANE Select); coding-DNA position 1470, T replaced by C.
Protein change: p.Ala490=; no amino-acid change (alanine 490 retained).
Molecular consequence: synonymous variant.
Genome position (GRCh38, 1-based): chr5:126,549,948, A>G on the plus strand (T>C on the coding strand, the complement: ALDH7A1 is on the minus strand). VCF-style: chr5-126549948-A-G. GRCh37 (hg19) VCF-style: chr5-125885640-A-G.
Other names: c.1386T>C, p.Ala462= (NM_001201377.2); c.1278T>C, p.Ala426= (NM_001202404.2).
Identifiers: ClinVar variation 379577 (VCV000379577.6), dbSNP rs1057520651, ClinGen allele CA16605208.